The following is an entry in ClinVar:

ClinVar aggregate classification (germline): Uncertain significance (1 of 4 stars; one submission).

Allele frequency attached by ClinVar (database versions not stated): gnomAD exomes below 0.00001; ExAC 0.00001.
gnomAD v4.1: 2 of 1,614,110 alleles (0.00012%); highest among the groups gnomAD compares: South Asian, 0.0011%; no homozygotes.

Submission:

GeneDx
Classification: Uncertain significance. Last evaluated: 2022-03-08. Review status: criteria provided, single submitter. Criteria: GeneDx Variant Classification Process June 2021. Collection method: clinical testing. Allele origin: germline. Affected: yes.
Comment: Not observed at significant frequency in large population cohorts (gnomAD); In silico analysis supports that this missense variant has a deleterious effect on protein structure/function; Has not been previously published as pathogenic or benign to our knowledge

NM_001379659.1(ZNF142):c.3064G>A (p.Gly1022Arg)

Gene: ZNF142 (zinc finger protein 142; minus strand). Cytogenetic location: 2q35.
Variant type: single nucleotide variant.
Coding change: c.3064G>A on transcript NM_001379659.1 (MANE Select); coding-DNA position 3064, G replaced by A.
Protein change: p.Gly1022Arg; replaces glycine 1022 with arginine.
Molecular consequence: missense variant.
Genome position (GRCh38, 1-based): chr2:218,644,052, C>T on the plus strand (G>A on the coding strand, the complement: ZNF142 is on the minus strand). VCF-style: chr2-218644052-C-T. GRCh37 (hg19) VCF-style: chr2-219508775-C-T.
Other names: c.2464G>A, p.Gly822Arg (NM_001105537.5, NM_001379662.1, NM_001366291.3); c.3064G>A, p.Gly1022Arg (NM_001379660.1, NM_001379661.1, NM_001366290.3); c.1975G>A, p.Gly659Arg (NM_001366287.3, NM_001366288.3, NM_001366289.3); short protein forms G1022R, G659R, G822R.
Identifiers: ClinVar variation 1707839 (VCV001707839.2), dbSNP rs757648521, ClinGen allele CA2109074.